The following is an entry in ClinVar:

NM_006345.4(SLC30A9):c.1145-8A>G

Gene: SLC30A9 (solute carrier family 30 member 9; plus strand). Cytogenetic location: 4p13.
Variant type: single nucleotide variant.
Coding change: c.1145-8A>G on transcript NM_006345.4 (MANE Select); 8 bases into the intron before coding-DNA position 1145, A replaced by G.
Molecular consequence: intron variant.
Genome position (GRCh38, 1-based): chr4:42,067,077, A>G. VCF-style: chr4-42067077-A-G. GRCh37 (hg19) VCF-style: chr4-42069094-A-G.
Identifiers: ClinVar variation 3061863 (VCV003061863.1), dbSNP rs769629339, ClinGen allele CA2902506.

ClinVar aggregate classification (germline): Uncertain significance (1 of 4 stars; one submission).

Conditions:
Psychomotor regression-oculomotor apraxia-movement disorder-nephropathy syndrome (BILAPES). Also called: Birk-Landau-Perez syndrome. Identifiers: Orphanet 505242, MedGen C4539828, MONDO:0044726, OMIM 617595.

Allele frequency attached by ClinVar (database versions not stated): ExAC 0.00002; TOPMed 0.00002.
gnomAD v4.1: 11 of 1,555,560 alleles (0.00071%); highest among the groups gnomAD compares: Non-Finnish European, 0.00098%; no homozygotes.

Submission:

MVZ Medizinische Genetik Mainz
Classification: Uncertain significance for Psychomotor regression-oculomotor apraxia-movement disorder-nephropathy syndrome. Last evaluated: 2021-12-14. Review status: criteria provided, single submitter. Criteria: UK Practice Guidelines For Variant Classification V4 01 2020. Collection method: clinical testing. Allele origin: germline. Inheritance: Autosomal recessive inheritance. Affected: yes. Observed: 1 variant allele.
Comment: PM2_SUP, PM3_SUP, PP3 (ACMG Version 3)